The following is an entry in ClinVar:

NM_000538.4(RFXAP):c.756A>G (p.Gln252=)

Gene: RFXAP (regulatory factor X associated protein; plus strand). Cytogenetic location: 13q13.3.
Variant type: single nucleotide variant.
Coding change: c.756A>G on transcript NM_000538.4 (MANE Select); coding-DNA position 756, A replaced by G.
Protein change: p.Gln252=; no amino-acid change (glutamine 252 retained).
Molecular consequence: synonymous variant.
Genome position (GRCh38, 1-based): chr13:36,827,690, A>G. VCF-style: chr13-36827690-A-G. GRCh37 (hg19) VCF-style: chr13-37401827-A-G.
Identifiers: ClinVar variation 311791 (VCV000311791.15), dbSNP rs141918438, ClinGen allele CA6950289.
Genomic context (GRCh38, chr13:36,827,690, plus strand): 5'-TTTTCTTTCTAAGTCGTTACTAAGAAGTCCAGAAGTAGTGCAATTTTTACAGAAACAGCA[A>G]CAGCTATTAAATCAGCAAGTTTTGGAGCAAAGACAACAGCAGTTTCCAGGAACATCAATG-3'
Protein context (NP_000529.1, residues 242-262): PEVVQFLQKQ[Gln252=]QLLNQQVLEQ

ClinVar aggregate classification (germline): Benign/Likely benign. Review status: criteria provided, multiple submitters, no conflicts (2 of 4 stars). 2 submissions from 2 submitters: Benign (1); Likely benign (1). Last evaluated 2026-01-28.

Conditions:
MHC class II deficiency. Also called: Bare lymphocyte syndrome 2; BLS, TYPE II. Identifiers: Orphanet 572, MedGen C5447452, MONDO:0008855.

Allele frequency attached by ClinVar (database versions not stated): gnomAD exomes 0.00058 and 0.00233; TOPMed 0.00115; gnomAD 0.00087 and 0.00123; ExAC 0.00212; 1000 Genomes Project 0.00739; ESP Exome Variant Server 0.00046; 1000 Genomes Project 30x 0.00625.
gnomAD v4.1: 1,100 of 1,613,878 alleles (0.068%); highest among the groups gnomAD compares: East Asian, 2%; 25 homozygotes.

Submissions (2):

Labcorp Genetics (formerly Invitae), Labcorp
Classification: Benign for MHC class II deficiency. Last evaluated: 2026-01-28. Review status: criteria provided, single submitter. Criteria: Invitae Variant Classification Sherloc (09022015). Collection method: clinical testing. Allele origin: germline.

Illumina Laboratory Services, Illumina
Classification: Likely benign for MHC class II deficiency 1. Last evaluated: 2017-04-27. Review status: criteria provided, single submitter. Criteria: ICSL Variant Classification Criteria 13 December 2019. Collection method: clinical testing. Allele origin: germline.
Comment: This variant was observed as part of a predisposition screen in an ostensibly healthy population. A literature search was performed for the gene, cDNA change, and amino acid change (where applicable). No publications were found based on this search. Allele frequency data from public databases allowed determination this variant is unlikely to cause disease. Therefore, this variant is classified as likely benign.